The following is an entry in ClinVar:

ClinVar aggregate classification (germline): Uncertain significance (1 of 4 stars; one submission).

gnomAD v4.1: 5 of 1,611,692 alleles (0.00031%); highest among the groups gnomAD compares: South Asian, 0.0011%; no homozygotes.

Submission:

GeneDx
Classification: Uncertain significance. Last evaluated: 2025-06-03. Review status: criteria provided, single submitter. Criteria: GeneDx Variant Classification Process June 2021. Collection method: clinical testing. Allele origin: germline.
Comment: Not observed at significant frequency in large population cohorts (gnomAD); In silico analysis suggests that this missense variant does not alter protein structure/function; Has not been previously published as pathogenic or benign to our knowledge

NM_001365999.1(SZT2):c.8417G>A (p.Arg2806Lys)

Gene: SZT2 (SZT2 subunit of KICSTOR complex; plus strand). Cytogenetic location: 1p34.2.
Variant type: single nucleotide variant.
Coding change: c.8417G>A on transcript NM_001365999.1 (MANE Select); coding-DNA position 8417, G replaced by A.
Protein change: p.Arg2806Lys; replaces arginine 2806 with lysine.
Molecular consequence: missense variant.
Genome position (GRCh38, 1-based): chr1:43,443,084, G>A. VCF-style: chr1-43443084-G-A. GRCh37 (hg19) VCF-style: chr1-43908755-G-A.
Other names: c.8246G>A, p.Arg2749Lys (NM_015284.4); short protein forms R2749K, R2806K.
Identifiers: ClinVar variation 3603175 (VCV003603175.2).